The following is an entry in ClinVar:

ClinVar aggregate classification (germline): Uncertain significance. Review status: criteria provided, multiple submitters, no conflicts (2 of 4 stars). 2 submissions from 2 submitters: Uncertain significance (2). Last evaluated 2024-01-08.

Allele frequency attached by ClinVar (database versions not stated): gnomAD 0.00003; ESP Exome Variant Server 0.00008.

Submissions (2):

Mayo Clinic Laboratories, Mayo Clinic
Classification: Uncertain significance. Last evaluated: 2024-01-08. Review status: criteria provided, single submitter. Criteria: ACMG Guidelines, 2015. Collection method: clinical testing. Allele origin: germline. Observed: 1 variant allele.
Comment: BP4, PM1, PM2_moderate

Ambry Genetics
Classification: Uncertain significance. Last evaluated: 2023-09-14. Review status: criteria provided, single submitter. Criteria: Ambry Variant Classification Scheme 2023. Collection method: clinical testing. Allele origin: germline.

NM_000930.5(PLAT):c.550C>G (p.Arg184Gly)

Gene: PLAT (plasminogen activator, tissue type; minus strand). Cytogenetic location: 8p11.21.
Variant type: single nucleotide variant.
Coding change: c.550C>G on transcript NM_000930.5 (MANE Select); coding-DNA position 550, C replaced by G.
Protein change: p.Arg184Gly; replaces arginine 184 with glycine.
Molecular consequence: missense variant. On other transcripts: intron variant (1).
Genome position (GRCh38, 1-based): chr8:42,185,162, G>C on the plus strand (C>G on the coding strand, the complement: PLAT is on the minus strand). VCF-style: chr8-42185162-G-C. GRCh37 (hg19) VCF-style: chr8-42042680-G-C.
Other names: p.Arg184Gly; c.412C>G, p.Arg138Gly (NM_033011.4); c.365-2272C>G (NM_001319189.2); short protein forms R184G, R138G.
Identifiers: ClinVar variation 2623330 (VCV002623330.3), dbSNP rs374169548, ClinGen allele CA4731317.